The following is an entry in ClinVar:

NM_001370259.2(MEN1):c.932C>T (p.Thr311Ile)

Gene: MEN1 (menin 1; minus strand). Cytogenetic location: 11q13.1.
Variant type: single nucleotide variant.
Coding change: c.932C>T on transcript NM_001370259.2 (MANE Select); coding-DNA position 932, C replaced by T.
Protein change: p.Thr311Ile; replaces threonine 311 with isoleucine.
Molecular consequence: missense variant.
Genome position (GRCh38, 1-based): chr11:64,806,349, G>A on the plus strand (C>T on the coding strand, the complement: MEN1 is on the minus strand). VCF-style: chr11-64806349-G-A. GRCh37 (hg19) VCF-style: chr11-64573821-G-A.
Other names: c.947C>T, p.Thr316Ile (NM_000244.4, NM_130800.3, NM_130801.3 and 3 more transcripts); c.932C>T, p.Thr311Ile (NM_001370251.2, NM_001370260.2, NM_001370261.2 and 1 more transcripts); c.827C>T, p.Thr276Ile (NM_001370262.2, NM_001370263.2); short protein forms T316I, T311I, T276I.
Identifiers: ClinVar variation 571334 (VCV000571334.8), dbSNP rs1565644342, ClinGen allele CA381183423.

ClinVar aggregate classification (germline): Uncertain significance (1 of 4 stars; one submission).

Conditions:
Multiple endocrine neoplasia, type 1 (MEN1). Also called: WERMER SYNDROME; Endocrine adenomatosis multiple; MEN 1; MEA I; MEN I. Identifiers: Orphanet 652, MedGen C0025267, MeSH D018761, MONDO:0007540, OMIM 131100.

Submission:

Labcorp Genetics (formerly Invitae), Labcorp
Classification: Uncertain significance for Multiple endocrine neoplasia, type 1. Last evaluated: 2018-04-16. Review status: criteria provided, single submitter. Criteria: Invitae Variant Classification Sherloc (09022015). Collection method: clinical testing. Allele origin: germline.
Comment: This sequence change replaces threonine with isoleucine at codon 311 of the MEN1 protein (p.Thr311Ile). The threonine residue is moderately conserved and there is a moderate physicochemical difference between threonine and isoleucine. This variant is not present in population databases (ExAC no frequency). This variant has not been reported in the literature in individuals with MEN1-related disease. Algorithms developed to predict the effect of missense changes on protein structure and function (SIFT, PolyPhen-2, Align-GVGD) all suggest that this variant is likely to be tolerated, but these predictions have not been confirmed by published functional studies and their clinical significance is uncertain. In summary, the available evidence is currently insufficient to determine the role of this variant in disease. Therefore, it has been classified as a Variant of Uncertain Significance.